The following is an entry in ClinVar:

ClinVar aggregate classification (germline): Uncertain significance. Review status: criteria provided, multiple submitters, no conflicts (2 of 4 stars). 5 submissions from 5 submitters: Uncertain significance (5). Last evaluated 2026-02-10.

Conditions:
Immunodeficiency 104. Also called: Severe Combined Immune Deficiency, Autosomal Recessive, TCell -Negative, B Cell-Positive, NK Cell-Positive, IL7R-Related; SCID, AUTOSOMAL RECESSIVE, T CELL-NEGATIVE, B CELL-POSITIVE, NK CELL-POSITIVE; IMMUNODEFICIENCY 104, SEVERE COMBINED; Severe combined immunodeficiency, autosomal recessive, T cell-negative, B cell-positive, NK cell-positive. Identifiers: MedGen C5676890, MONDO:0012163, OMIM 608971.

Allele frequency attached by ClinVar (database versions not stated): ExAC 0.00004; gnomAD exomes 0.00006; ESP Exome Variant Server 0.00008; TOPMed 0.00011; 1000 Genomes Project 30x 0.00031; 1000 Genomes Project 0.00040.
gnomAD v4.1: 64 of 1,611,858 alleles (0.004%); highest among the groups gnomAD compares: African/African-American, 0.028%; no homozygotes.

Submissions (5):

Women's Health and Genetics/Laboratory Corporation of America, LabCorp
Classification: Uncertain significance. Last evaluated: 2026-02-10. Review status: criteria provided, single submitter. Criteria: LabCorp Variant Classification Summary - May 2015. Collection method: clinical testing. Allele origin: germline.
Comment: Variant summary: IL7R c.373A>G (p.Thr125Ala) results in a non-conservative amino acid change in the encoded protein sequence. Algorithms developed to predict the effect of missense changes on protein structure and function are either unavailable or do not agree on the potential impact of this missense change. The variant allele was found at a frequency of 5.6e-05 in 250062 control chromosomes. This frequency is not significantly higher than estimated for disease-causing variants in IL7R, allowing no conclusion about variant significance. To our knowledge, no occurrence of c.373A>G in individuals affected with IL7R-related conditions and no experimental evidence demonstrating its impact on protein function have been reported. ClinVar contains an entry for this variant (Variation ID: 859986). Based on the evidence outlined above, the variant was classified as uncertain significance.

Dasa
Classification: Uncertain significance for Immunodeficiency 104. Last evaluated: 2025-09-26. Review status: criteria provided, single submitter. Criteria: DASA Assertion Criteria. Collection method: clinical testing. Allele origin: germline.
Comment: NM_002185.5(IL7R):c.373A>G (p.Thr125Ala) is a missense variant that results in the substitution of threonine with alanine. This variant is rare in population databases. Computational prediction algorithms are consistent with a benign effect. The currently available literature and clinical evidence are not sufficient to establish a definitive association between this variant and the reported condition. Therefore, this variant is classified as a variant of uncertain significance.

Labcorp Genetics (formerly Invitae), Labcorp
Classification: Uncertain significance for Immunodeficiency 104. Last evaluated: 2024-10-26. Review status: criteria provided, single submitter. Criteria: Invitae Variant Classification Sherloc (09022015). Collection method: clinical testing. Allele origin: germline.
Comment: This sequence change replaces threonine, which is neutral and polar, with alanine, which is neutral and non-polar, at codon 125 of the IL7R protein (p.Thr125Ala). This variant is present in population databases (rs145407742, gnomAD 0.03%). This variant has not been reported in the literature in individuals affected with IL7R-related conditions. ClinVar contains an entry for this variant (Variation ID: 859986). Invitae Evidence Modeling of protein sequence and biophysical properties (such as structural, functional, and spatial information, amino acid conservation, physicochemical variation, residue mobility, and thermodynamic stability) indicates that this missense variant is not expected to disrupt IL7R protein function with a negative predictive value of 95%. In summary, the available evidence is currently insufficient to determine the role of this variant in disease. Therefore, it has been classified as a Variant of Uncertain Significance.

CeGaT Center for Human Genetics Tuebingen
Classification: Uncertain significance. Last evaluated: 2021-04-01. Review status: criteria provided, single submitter. Criteria: CeGaT Center For Human Genetics Tuebingen Variant Classification Criteria Version 2. Collection method: clinical testing. Allele origin: germline. Affected: yes. Observed: 1 variant allele.

Center for Genomics, Ann and Robert H. Lurie Children's Hospital of Chicago
Classification: Uncertain significance for Immunodeficiency 104. Last evaluated: 2021-03-30. Review status: criteria provided, single submitter. Criteria: ACMG Guidelines, 2015. Collection method: clinical testing. Allele origin: germline.
Comment: IL7R: NM_002185 exon3 p.Thr125Ala (c.373A>G): This variant has not been reported in the literature but is present in 7/23984 African alleles in the Genome Aggregation Database. Evolutionary conservation and computational predictive tools suggest that this variant may not impact the protein. In summary, data on this variant is insufficient for disease classification. Therefore, the clinical significance of this variant is uncertain.

NM_002185.5(IL7R):c.373A>G (p.Thr125Ala)

Gene: IL7R (interleukin 7 receptor; plus strand). Cytogenetic location: 5p13.2.
Variant type: single nucleotide variant.
Coding change: c.373A>G on transcript NM_002185.5 (MANE Select); coding-DNA position 373, A replaced by G.
Protein change: p.Thr125Ala; replaces threonine 125 with alanine.
Molecular consequence: missense variant. On other transcripts: non-coding transcript variant (1).
Genome position (GRCh38, 1-based): chr5:35,867,457, A>G. VCF-style: chr5-35867457-A-G. GRCh37 (hg19) VCF-style: chr5-35867559-A-G.
Other names: short protein forms T125A.
Identifiers: ClinVar variation 859986 (VCV000859986.44), dbSNP rs145407742, ClinGen allele CA3231929.